The following is an entry in ClinVar:

NM_005188.4(CBL):c.1112_1114del (p.Tyr371del)

Gene: CBL (Cbl proto-oncogene; plus strand). Cytogenetic location: 11q23.3.
Variant type: Deletion.
Coding change: c.1112_1114del on transcript NM_005188.4 (MANE Select); coding-DNA positions 1112 to 1114, 3 bases deleted (ACT; older notation c.1112_1114delACT).
Protein change: p.Tyr371del; deletes tyrosine 371.
Molecular consequence: inframe deletion.
Genome position (GRCh38, 1-based): chr11:119,278,182-119,278,184, ACT deleted; deleting any 3 consecutive bases within chr11:119,278,181-119,278,184 gives the same sequence; the c. name uses the placement nearest the transcript's 3' end. VCF-style (leftmost placement, unchanged base first): chr11-119278180-ATAC-A. GRCh37 (hg19) VCF-style: chr11-119148890-ATAC-A.
Other names: short protein forms Y371del.
Identifiers: ClinVar variation 1427090 (VCV001427090.8), dbSNP rs2135303545, ClinGen allele CA2573146903.

ClinVar aggregate classification (germline): Likely pathogenic (1 of 4 stars; one submission).

Conditions:
RASopathy. Also called: rasopathies; Noonan spectrum disorder. Identifiers: Orphanet 536391, MedGen C5555857, MONDO:0021060.

Submission:

Labcorp Genetics (formerly Invitae), Labcorp
Classification: Likely pathogenic for RASopathy. Last evaluated: 2022-02-28. Review status: criteria provided, single submitter. Criteria: Invitae Variant Classification Sherloc (09022015). Collection method: clinical testing. Allele origin: germline.
Comment: This variant is not present in population databases (gnomAD no frequency). This variant, c.1112_1114del, results in the deletion of 1 amino acid(s) of the CBL protein (p.Tyr371del), but otherwise preserves the integrity of the reading frame. This variant has been observed in individual(s) with clinical features of Noonan-like syndrome with or without juvenile myelomonocytic leukemia (Invitae). In at least one individual the variant was observed to be de novo. In summary, the currently available evidence indicates that the variant is pathogenic, but additional data are needed to prove that conclusively. Therefore, this variant has been classified as Likely Pathogenic. Algorithms developed to predict the effect of sequence changes on RNA splicing suggest that this variant may create or strengthen a splice site.